The following is an entry in ClinVar:

NM_001376571.1(MADD):c.774A>G (p.Pro258=)

Gene: MADD (MAP kinase activating death domain; plus strand). Cytogenetic location: 11p11.2.
Variant type: single nucleotide variant.
Coding change: c.774A>G on transcript NM_001376571.1 (MANE Select); coding-DNA position 774, A replaced by G.
Protein change: p.Pro258=; no amino-acid change (proline 258 retained).
Molecular consequence: synonymous variant. On other transcripts: non-coding transcript variant (8).
Genome position (GRCh38, 1-based): chr11:47,276,013, A>G. VCF-style: chr11-47276013-A-G. GRCh37 (hg19) VCF-style: chr11-47297564-A-G.
Other names: c.774A>G, p.Pro258= (NM_001135943.2, NM_001135944.2, NM_001376572.1 and 80 more transcripts); c.570A>G, p.Pro190= (NM_001376620.1, NM_001376626.1, NM_001376627.1 and 9 more transcripts); c.108A>G, p.Pro36= (NM_001376663.1); c.774A>G (NM_003682.3).
Identifiers: ClinVar variation 2433594 (VCV002433594.5), dbSNP rs74698331, ClinGen allele CA5973966.

ClinVar aggregate classification (germline): Conflicting classifications of pathogenicity. Review status: criteria provided, conflicting classifications (1 of 4 stars). 3 submissions from 3 submitters: Uncertain significance (2); Likely benign (1). Last evaluated 2026-09-21.

Conditions:
MADD-related disorder. Also called: MADD-Related Disorders; MADD-related condition.

Allele frequency attached by ClinVar (database versions not stated): ExAC 0.00082; gnomAD 0.00090; ESP Exome Variant Server 0.00092; TOPMed 0.00097; gnomAD exomes 0.00113; 1000 Genomes Project 0.00120; 1000 Genomes Project 30x 0.00141.
gnomAD v4.1: 1,789 of 1,614,190 alleles (0.11%); highest among the groups gnomAD compares: Non-Finnish European, 0.14%; 1 homozygote.

Submissions (3):

PreventionGenetics, part of Exact Sciences
Classification: Uncertain significance for MADD-related condition. Last evaluated: 2026-09-21. Review status: criteria provided, single submitter. Criteria: ACMG Guidelines, 2015. Collection method: clinical testing. Allele origin: germline.
Comment: The MADD c.774A>G variant is not predicted to result in an amino acid change (p.=). This variant is predicted to alter splicing based on an available splicing prediction program (SpliceAI, Jaganathan et al. 2019. PubMed ID: 30661751). However, the use of computer prediction programs is not equivalent to functional evidence. To our knowledge, this variant has not been reported in the literature. This variant is reported in 0.14% of alleles in individuals of European (Non-Finnish) descent in gnomAD. At this time, the clinical significance of this variant is uncertain due to the absence of conclusive functional and genetic evidence.

Women's Health and Genetics/Laboratory Corporation of America, LabCorp
Classification: Likely benign. Last evaluated: 2025-03-21. Review status: criteria provided, single submitter. Criteria: LabCorp Variant Classification Summary - May 2015. Collection method: clinical testing. Allele origin: germline.

Revvity Omics, Revvity
Classification: Uncertain significance. Last evaluated: 2021-09-30. Review status: criteria provided, single submitter. Criteria: ACMG Guidelines, 2015. Collection method: clinical testing. Allele origin: germline.